The following is an entry in ClinVar:

ClinVar aggregate classification (germline): Likely benign. Review status: criteria provided, multiple submitters, no conflicts (2 of 4 stars). 3 submissions from 3 submitters: Likely benign (2). 1 of the submissions does not count toward it. Last evaluated 2025-09-21.

Conditions:
Cardiovascular phenotype. Identifiers: MedGen CN230736.
TTN-related disorder. Also called: TTN-related condition; TTN-related disease; TTN-related disorders.
Dilated cardiomyopathy 1G (CMD1G). Identifiers: Orphanet 154, MedGen C1858763, MONDO:0011400, OMIM 604145.
Autosomal recessive limb-girdle muscular dystrophy type 2J (LGMDR10). Also called: Limb-girdle muscular dystrophy, type 2J; MUSCULAR DYSTROPHY, LIMB-GIRDLE, AUTOSOMAL RECESSIVE 10. Identifiers: Orphanet 140922, MedGen C1837342, MONDO:0012127, OMIM 608807.

Allele frequency attached by ClinVar (database versions not stated): gnomAD exomes below 0.00001 and 0.00001; ExAC 0.00001; ESP Exome Variant Server 0.00008.
gnomAD v4.1: 11 of 1,613,700 alleles (0.00068%); highest among the groups gnomAD compares: African/African-American, 0.013%; no homozygotes.

Submissions (3):

Labcorp Genetics (formerly Invitae), Labcorp
Classification: Likely benign for Dilated cardiomyopathy 1G; Autosomal recessive limb-girdle muscular dystrophy type 2J. Last evaluated: 2025-09-21. Review status: criteria provided, single submitter. Criteria: Invitae Variant Classification Sherloc (09022015). Collection method: clinical testing. Allele origin: germline.

Ambry Genetics
Classification: Likely benign for Cardiovascular phenotype. Last evaluated: 2023-11-21. Review status: criteria provided, single submitter. Criteria: Ambry Variant Classification Scheme 2023. Collection method: clinical testing. Allele origin: germline.

PreventionGenetics, part of Exact Sciences
Classification: Likely benign for TTN-related condition. Last evaluated: 2022-03-25. Review status: no assertion criteria provided. Collection method: clinical testing. Allele origin: germline. Not counted in ClinVar's aggregate classification.
Comment: This variant is classified as likely benign based on ACMG/AMP sequence variant interpretation guidelines (Richards et al. 2015 PMID: 25741868, with internal and published modifications).

NM_001267550.2(TTN):c.87003T>A (p.Val29001=)

Genes: TTN (titin; minus strand), TTN-AS1 (TTN antisense RNA 1; plus strand). Cytogenetic location: 2q31.2.
Variant type: single nucleotide variant.
Coding change: c.87003T>A on transcript NM_001267550.2 (MANE Select); coding-DNA position 87003, T replaced by A.
Protein change: p.Val29001=; no amino-acid change (valine 29001 retained).
Molecular consequence: synonymous variant.
Genome position (GRCh38, 1-based): chr2:178,558,456, A>T on the plus strand (T>A on the coding strand, the complement: TTN is on the minus strand). VCF-style: chr2-178558456-A-T. GRCh37 (hg19) VCF-style: chr2-179423183-A-T.
Other names: c.82080T>A, p.Val27360= (NM_001256850.1); c.59808T>A, p.Val19936= (NM_003319.4); c.79299T>A, p.Val26433= (NM_133378.4); c.60183T>A, p.Val20061= (NM_133432.3); c.60384T>A, p.Val20128= (NM_133437.4).
Identifiers: ClinVar variation 1638532 (VCV001638532.11), dbSNP rs371894087, ClinGen allele CA1988392.